The following is an entry in ClinVar:

ClinVar aggregate classification (germline): Pathogenic (1 of 4 stars; one submission).

Conditions:
Hematuria. Identifiers: MedGen C0018965, HP:0000790.

Submission:

Genetics Laboratory, Great Ormond Street Hospital NHS Foundation Trust, North Thames Genomic Laboratory Hub
Classification: Pathogenic for Haematuria. Last evaluated: 2026-01-17. Review status: criteria provided, single submitter. Criteria: ACGS Best Practice Guidelines for Variant Classification in Rare Disease 2024 v1.2. Collection method: clinical testing. Allele origin: germline. Affected: yes.
Comment: PM2_moderate, PVS1_very-strong

NM_033380.3(COL4A5):c.2388_2395+6delinsCC

Gene: COL4A5 (collagen type IV alpha 5 chain; plus strand). Cytogenetic location: Xq22.3.
Variant type: Indel.
Coding change: c.2388_2395+6delinsCC on transcript NM_033380.3 (MANE Select); coding-DNA position 2388 through 6 bases into the intron after coding-DNA position 2395, ACCAAAAGGTATGG replaced by CC.
Molecular consequence: splice donor variant.
Genome position (GRCh38, 1-based): chrX:108,606,885-108,606,898, ACCAAAAGGTATGG replaced by CC. VCF-style: chrX-108606885-ACCAAAAGGTATGG-CC. GRCh37 (hg19) VCF-style: chrX-107850115-ACCAAAAGGTATGG-CC.
Other names: c.2388_2395+6delinsCC (NM_000495.5).
Identifiers: ClinVar variation 4813613 (VCV004813613.1).